The following is an entry in ClinVar:

NM_018082.6(POLR3B):c.2042C>T (p.Pro681Leu)

Gene: POLR3B (RNA polymerase III subunit B; plus strand). Cytogenetic location: 12q23.3.
Variant type: single nucleotide variant.
Coding change: c.2042C>T on transcript NM_018082.6 (MANE Select); coding-DNA position 2042, C replaced by T.
Protein change: p.Pro681Leu; replaces proline 681 with leucine.
Molecular consequence: missense variant.
Genome position (GRCh38, 1-based): chr12:106,444,549, C>T. VCF-style: chr12-106444549-C-T. GRCh37 (hg19) VCF-style: chr12-106838327-C-T.
Other names: c.1868C>T, p.Pro623Leu (NM_001160708.2); short protein forms P623L, P681L.
Identifiers: ClinVar variation 4856311 (VCV004856311.1).
Genomic context (GRCh38, chr12:106,444,549, plus strand): 5'-CCTTCACTCTTCTCGGCGTGTGTGCTGGACTTATCCCATACCCTCACCATAACCAGTCAC[C>T]GAGAAACACTTATCAGTGTGCCATGGGGAAACAAGCCATGGGTAAGATTTCCTTCTTGAA-3'
Protein context (NP_060552.4, residues 671-691): LIPYPHHNQS[Pro681Leu]RNTYQCAMGK

ClinVar aggregate classification (germline): Uncertain significance (1 of 4 stars; one submission).

Conditions:
Charcot-Marie-Tooth disease, demyelinating, IIA 1I. Also called: CHARCOT-MARIE-TOOTH NEUROPATHY, TYPE 1I; Charcot-Marie-Tooth disease, demyelinating, type 1I. Identifiers: MedGen C5676914, MONDO:0030677, OMIM 619742.

Submission:

3billion
Classification: Uncertain significance for Charcot-Marie-Tooth disease, demyelinating, IIA 1I. Last evaluated: 2025-08-08. Review status: criteria provided, single submitter. Criteria: ACMG Guidelines, 2015. Collection method: clinical testing. Allele origin: germline. Affected: yes.
Comment: The variant is not observed in the gnomAD v4.1.0 dataset. Predicted Consequence/Location: Missense variant In silico tool predictions suggest damaging effect of the variant on gene or gene product [REVEL: 0.90 (>=0.6, sensitivity 0.68 and specificity 0.92); 3Cnet: 0.99 (> 0.75, sensitivity 0.96 and precision 0.92)]. Therefore, this variant is classified as VUS according to the recommendation of ACMG/AMP guideline.